The following is an entry in ClinVar:

NM_000146.4(FTL):c.-148G>C

Gene: FTL (ferritin light chain; plus strand). Cytogenetic location: 19q13.33.
Variant type: single nucleotide variant.
Coding change: c.-148G>C on transcript NM_000146.4 (MANE Select); 148 bases upstream of the start codon, G replaced by C.
Molecular consequence: 5 prime UTR variant.
Genome position (GRCh38, 1-based): chr19:48,965,360, G>C. VCF-style: chr19-48965360-G-C. GRCh37 (hg19) VCF-style: chr19-49468617-G-C.
Identifiers: ClinVar variation 1009717 (VCV001009717.9), dbSNP rs2038438657, ClinGen allele CA2340161175.

ClinVar aggregate classification (germline): Uncertain significance (1 of 4 stars; one submission).

Conditions:
Hereditary hyperferritinemia with congenital cataracts. Also called: Hereditary hyperferritinemia cataract syndrome; Bonneau-Beaumont syndrome; HYPERFERRITINEMIA WITH OR WITHOUT CATARACT. Identifiers: Orphanet 163, MedGen C1833213, MONDO:0010952, OMIM 600886.
Neuroferritinopathy (NBIA3). Also called: NEURODEGENERATION WITH BRAIN IRON ACCUMULATION 3; BASAL GANGLIA DISEASE, ADULT-ONSET. Identifiers: Orphanet 157846, MedGen C1853578, MONDO:0011638, OMIM 606159.

Submission:

Labcorp Genetics (formerly Invitae), Labcorp
Classification: Uncertain significance for Neuroferritinopathy; Hereditary hyperferritinemia with congenital cataracts. Last evaluated: 2020-03-23. Review status: criteria provided, single submitter. Criteria: Invitae Variant Classification Sherloc (09022015). Collection method: clinical testing. Allele origin: germline.
Comment: The frequency data for this variant in the population databases is considered unreliable, as metrics indicate insufficient coverage at this position in the ExAC database. In summary, the available evidence is currently insufficient to determine the role of this variant in disease. Therefore, it has been classified as a Variant of Uncertain Significance. This variant has been reported to affect FTL protein function (PMID: 23421845, 31414986). This variant has been observed in individual(s) with hyperferritinemia-cataract syndrome (PMID: 23421845). This variant is also known as Heidelberg +52G>C and G52C in the literature. This variant occurs in a non-coding region of the FTL gene. It does not change the encoded amino acid sequence of the FTL protein.

Literature cited by the submitters: PubMed 23421845; PubMed 31414986.